The following is an entry in ClinVar:

ClinVar aggregate classification (germline): Uncertain significance. Review status: criteria provided, single submitter (1 of 4 stars). 2 submissions from 1 submitter: Uncertain significance (2). Last evaluated 2017-07-20.

Conditions:
Hypothyroidism due to TSH receptor mutations. Also called: Hypothyroidism, congenital, nongoitrous, 1; HYPOTHYROIDISM DUE TO UNRESPONSIVENESS TO THYROTROPIN; HYPOTHYROIDISM, CONGENITAL, DUE TO TSH RESISTANCE; HYPOTHYROIDISM, NONAUTOIMMUNE; THYROID-STIMULATING HORMONE, RESISTANCE TO; TSH RESISTANCE. Identifiers: Orphanet 90673, MedGen C3493776, MONDO:0010142, OMIM 275200.
Familial hyperthyroidism due to mutations in TSH receptor. Also called: HYPERTHYROIDISM, CONGENITAL NONAUTOIMMUNE; HYPERTHYROIDISM, NONAUTOIMMUNE, AUTOSOMAL DOMINANT; TOXIC THYROID HYPERPLASIA, AUTOSOMAL DOMINANT. Identifiers: Orphanet 424, MedGen C1836706, MONDO:0012203, OMIM 609152.

Allele frequency attached by ClinVar (database versions not stated): gnomAD exomes below 0.00001.
gnomAD v4.1: 1 of 1,611,820 alleles (0.000062%); highest among the groups gnomAD compares: Non-Finnish European, 0.000085%; no homozygotes.

Submissions (2):

Illumina Laboratory Services, Illumina
Classification: Uncertain significance for Familial hyperthyroidism due to mutations in TSH receptor. Last evaluated: 2017-07-20. Review status: criteria provided, single submitter. Criteria: ICSL Variant Classification Criteria 13 December 2019. Collection method: clinical testing. Allele origin: germline.
Comment: This variant was observed as part of a predisposition screen in an ostensibly healthy population. A literature search was performed for the gene, cDNA change, and amino acid change (where applicable). Publications were found based on this search. However, the evidence from the literature, in combination with allele frequency data from public databases where available, was not sufficient to rule this variant in or out of causing disease. Therefore, this variant is classified as a variant of unknown significance.

Illumina Laboratory Services, Illumina
Classification: Uncertain significance for Hypothyroidism due to TSH receptor mutations. Last evaluated: 2017-07-20. Review status: criteria provided, single submitter. Criteria: ICSL Variant Classification Criteria 13 December 2019. Collection method: clinical testing. Allele origin: germline.
Comment: the same text as in the submission from Illumina Laboratory Services, Illumina above.

Literature cited by the submitters: PubMed 20736161.

NM_000369.5(TSHR):c.406A>G (p.Thr136Ala)

Genes: TSHR (thyroid stimulating hormone receptor; plus strand), TSHR-AS1 (TSHR antisense RNA 1; minus strand). Cytogenetic location: 14q31.1.
Variant type: single nucleotide variant.
Coding change: c.406A>G on transcript NM_000369.5 (MANE Select); coding-DNA position 406, A replaced by G.
Protein change: p.Thr136Ala; replaces threonine 136 with alanine.
Molecular consequence: missense variant.
Genome position (GRCh38, 1-based): chr14:81,091,082, A>G. VCF-style: chr14-81091082-A-G. GRCh37 (hg19) VCF-style: chr14-81557426-A-G.
Other names: c.406A>G, p.Thr136Ala (NM_001018036.3, NM_001142626.3); short protein forms T136A.
Identifiers: ClinVar variation 888395 (VCV000888395.4), dbSNP rs1888697548, ClinGen allele CA390734300.